The following is an entry in ClinVar:

ClinVar aggregate classification (germline): Pathogenic (1 of 4 stars; one submission).

Conditions:
Baller-Gerold syndrome (BGS). Also called: CRANIOSYNOSTOSIS WITH RADIAL DEFECTS. Identifiers: Orphanet 1225, MedGen C0265308, MONDO:0009039, OMIM 218600.

Submission:

Labcorp Genetics (formerly Invitae), Labcorp
Classification: Pathogenic for Baller-Gerold syndrome. Last evaluated: 2017-12-12. Review status: criteria provided, single submitter. Criteria: Invitae Variant Classification Sherloc (09022015). Collection method: clinical testing. Allele origin: germline.
Comment: For these reasons, this variant has been classified as Pathogenic. Loss-of-function variants in RECQL4 are known to be pathogenic (PMID: 12734318, 12952869). This variant has not been reported in the literature in individuals with RECQL4-related disease. This variant is not present in population databases (ExAC no frequency). This sequence change creates a premature translational stop signal (p.Trp613*) in the RECQL4 gene. It is expected to result in an absent or disrupted protein product.

Literature cited by the submitters: PubMed 12734318; PubMed 12952869.

NM_004260.4(RECQL4):c.1838G>A (p.Trp613Ter)

Gene: RECQL4 (RecQ like helicase 4; minus strand). Cytogenetic location: 8q24.3.
Variant type: single nucleotide variant.
Coding change: c.1838G>A on transcript NM_004260.4 (MANE Select); coding-DNA position 1838, G replaced by A.
Protein change: p.Trp613Ter; replaces tryptophan 613 with a stop codon.
Molecular consequence: nonsense.
Genome position (GRCh38, 1-based): chr8:144,514,229, C>T on the plus strand (G>A on the coding strand, the complement: RECQL4 is on the minus strand). VCF-style: chr8-144514229-C-T. GRCh37 (hg19) VCF-style: chr8-145739613-C-T.
Other names: short protein forms W613*.
Identifiers: ClinVar variation 528983 (VCV000528983.5), dbSNP rs1554899720, ClinGen allele CA372680700.